The following is an entry in ClinVar:

ClinVar aggregate classification (germline): Uncertain significance (1 of 4 stars; one submission).

Conditions:
Charcot-Marie-Tooth disease axonal type 2S. Also called: CHARCOT-MARIE-TOOTH DISEASE, AXONAL, AUTOSOMAL RECESSIVE, TYPE 2S; CHARCOT-MARIE-TOOTH NEUROPATHY, TYPE 2S. Identifiers: Orphanet 443073, MedGen C4015349, MONDO:0014511, OMIM 616155.
Autosomal recessive distal spinal muscular atrophy 1. Also called: SEVERE INFANTILE AXONAL NEUROPATHY WITH RESPIRATORY FAILURE; SPINAL MUSCULAR ATROPHY, DIAPHRAGMATIC; NEURONOPATHY, DISTAL HEREDITARY MOTOR, HARDING TYPE VI; NEUROPATHY, DISTAL HEREDITARY MOTOR, AUTOSOMAL RECESSIVE 1; HMN VI; Spinal muscular atrophy with respiratory distress 1. Identifiers: Orphanet 98920, MedGen C1858517, MONDO:0011436, OMIM 604320.

Submission:

Labcorp Genetics (formerly Invitae), Labcorp
Classification: Uncertain significance for Autosomal recessive distal spinal muscular atrophy 1; Charcot-Marie-Tooth disease axonal type 2S. Last evaluated: 2020-05-15. Review status: criteria provided, single submitter. Criteria: Invitae Variant Classification Sherloc (09022015). Collection method: clinical testing. Allele origin: germline.
Comment: This variant is not present in population databases (ExAC no frequency). This sequence change replaces serine with threonine at codon 121 of the IGHMBP2 protein (p.Ser121Thr). The serine residue is moderately conserved and there is a small physicochemical difference between serine and threonine. This variant has not been reported in the literature in individuals with IGHMBP2-related conditions. In summary, the available evidence is currently insufficient to determine the role of this variant in disease. Therefore, it has been classified as a Variant of Uncertain Significance. Algorithms developed to predict the effect of missense changes on protein structure and function output the following: SIFT: "Tolerated"; PolyPhen-2: "Benign"; Align-GVGD: "Class C0". The threonine amino acid residue is found in multiple mammalian species, suggesting that this missense change does not adversely affect protein function. These predictions have not been confirmed by published functional studies and their clinical significance is uncertain.

NM_002180.3(IGHMBP2):c.361T>A (p.Ser121Thr)

Gene: IGHMBP2 (immunoglobulin mu DNA binding protein 2; plus strand). Cytogenetic location: 11q13.3.
Variant type: single nucleotide variant.
Coding change: c.361T>A on transcript NM_002180.3 (MANE Select); coding-DNA position 361, T replaced by A.
Protein change: p.Ser121Thr; replaces serine 121 with threonine.
Molecular consequence: missense variant.
Genome position (GRCh38, 1-based): chr11:68,908,249, T>A. VCF-style: chr11-68908249-T-A. GRCh37 (hg19) VCF-style: chr11-68675717-T-A.
Other names: short protein forms S121T.
Identifiers: ClinVar variation 999101 (VCV000999101.9), dbSNP rs1858281719, ClinGen allele CA381643212.